The following is an entry in ClinVar:

NM_020163.3(SEMA3G):c.115+9C>A

Gene: SEMA3G (semaphorin 3G; minus strand). Cytogenetic location: 3p21.1.
Variant type: single nucleotide variant.
Coding change: c.115+9C>A on transcript NM_020163.3 (MANE Select); 9 bases into the intron after coding-DNA position 115, C replaced by A.
Molecular consequence: intron variant.
Genome position (GRCh38, 1-based): chr3:52,444,904, G>T on the plus strand (C>A on the coding strand, the complement: SEMA3G is on the minus strand). VCF-style: chr3-52444904-G-T. GRCh37 (hg19) VCF-style: chr3-52478920-G-T.
Identifiers: ClinVar variation 5002153 (VCV005002153.1).

ClinVar aggregate classification (germline): Likely benign (1 of 4 stars; one submission).

Conditions:
SEMA3G-related disorder. Also called: SEMA3G-related condition.

Submission:

PreventionGenetics, part of Exact Sciences
Classification: Likely benign for SEMA3G-related condition. Last evaluated: 2025-08-05. Review status: criteria provided, single submitter. Criteria: ACMG Guidelines, 2015. Collection method: clinical testing. Allele origin: germline.
Comment: This variant is classified as likely benign based on ACMG/AMP sequence variant interpretation guidelines (Richards et al. 2015 PMID: 25741868, with internal and published modifications).